The following is an entry in ClinVar:

ClinVar aggregate classification (germline): Uncertain significance (1 of 4 stars; one submission).

Conditions:
Frontotemporal dementia and/or amyotrophic lateral sclerosis 1 (FTDALS1). Also called: Frontotemporal dementia with motor neuron disease 1; C9orf72 Frontotemporal Dementia and/or Amyotrophic Lateral Sclerosis. Identifiers: Orphanet 275872, MedGen C5779877, MONDO:0007105, OMIM 105550.
Paget disease of bone 2, early-onset (PDB2). Also called: Paget disease of bone 2. Identifiers: MedGen C4085251, MONDO:0011183, OMIM 602080.

Allele frequency attached by ClinVar (database versions not stated): gnomAD exomes below 0.00001.
gnomAD v4.1: 1 of 1,614,046 alleles (0.000062%); highest among the groups gnomAD compares: Non-Finnish European, 0.000085%; no homozygotes.

Submission:

Labcorp Genetics (formerly Invitae), Labcorp
Classification: Uncertain significance for Paget disease of bone 2, early-onset; Frontotemporal dementia and/or amyotrophic lateral sclerosis 1. Last evaluated: 2025-05-09. Review status: criteria provided, single submitter. Criteria: Invitae Variant Classification Sherloc (09022015). Collection method: clinical testing. Allele origin: germline.
Comment: This sequence change replaces serine, which is neutral and polar, with cysteine, which is neutral and slightly polar, at codon 226 of the SQSTM1 protein (p.Ser226Cys). This variant is not present in population databases (gnomAD no frequency). This variant has not been reported in the literature in individuals affected with SQSTM1-related conditions. ClinVar contains an entry for this variant (Variation ID: 2941558). Invitae Evidence Modeling of protein sequence and biophysical properties (such as structural, functional, and spatial information, amino acid conservation, physicochemical variation, residue mobility, and thermodynamic stability) indicates that this missense variant is not expected to disrupt SQSTM1 protein function with a negative predictive value of 80%. In summary, the available evidence is currently insufficient to determine the role of this variant in disease. Therefore, it has been classified as a Variant of Uncertain Significance.

NM_003900.5(SQSTM1):c.677C>G (p.Ser226Cys)

Gene: SQSTM1 (sequestosome 1; plus strand). Cytogenetic location: 5q35.3.
Variant type: single nucleotide variant.
Coding change: c.677C>G on transcript NM_003900.5 (MANE Select); coding-DNA position 677, C replaced by G.
Protein change: p.Ser226Cys; replaces serine 226 with cysteine.
Molecular consequence: missense variant.
Genome position (GRCh38, 1-based): chr5:179,825,149, C>G. VCF-style: chr5-179825149-C-G. GRCh37 (hg19) VCF-style: chr5-179252149-C-G.
Other names: c.425C>G, p.Ser142Cys (NM_001142298.2, NM_001142299.2); short protein forms S226C, S142C.
Identifiers: ClinVar variation 2941558 (VCV002941558.3), dbSNP rs2480218640, ClinGen allele CA362446221.